The following is an entry in ClinVar:

ClinVar aggregate classification (germline): Conflicting classifications of pathogenicity. Review status: criteria provided, conflicting classifications (1 of 4 stars). 19 submissions from 15 submitters: Uncertain significance (5); Benign (2); Likely benign (7). 5 of the submissions do not count toward it. Last evaluated 2026-05-18.

Conditions:
TTN-related disorder. Also called: TTN-related condition; TTN-related disease; TTN-related disorders.
Cardiovascular phenotype. Identifiers: MedGen CN230736.
Autosomal recessive limb-girdle muscular dystrophy type 2J (LGMDR10). Also called: Limb-girdle muscular dystrophy, type 2J; MUSCULAR DYSTROPHY, LIMB-GIRDLE, AUTOSOMAL RECESSIVE 10. Identifiers: Orphanet 140922, MedGen C1837342, MONDO:0012127, OMIM 608807.
Dilated cardiomyopathy 1G (CMD1G). Identifiers: Orphanet 154, MedGen C1858763, MONDO:0011400, OMIM 604145.
Early-onset myopathy with fatal cardiomyopathy (CMYO5). Also called: Salih Myopathy; CONGENITAL MYOPATHY 5 WITH CARDIOMYOPATHY. Identifiers: Orphanet 289377, MedGen C2673677, MONDO:0012714, OMIM 611705. Disease mechanism: loss of function.
Myopathy, myofibrillar, 9, with early respiratory failure (MFM9). Also called: EDSTROM MYOPATHY; MYOPATHY, PROXIMAL, WITH EARLY RESPIRATORY MUSCLE INVOLVEMENT; Myopathy, distal, with early respiratory failure, autosomal dominant; Hereditary myopathy with early respiratory failure. Identifiers: Orphanet 178464, Orphanet 34521, MedGen C1863599, MONDO:0011362, OMIM 603689.
Tibial muscular dystrophy (TMD). Also called: Tibial muscular dystrophy, tardive; UDD MYOPATHY; Udd Distal Myopathy – Tibial Muscular Dystrophy. Identifiers: Orphanet 609, MedGen C1838244, MONDO:0010870, OMIM 600334.

Allele frequency attached by ClinVar (database versions not stated): TOPMed 0.00028; gnomAD 0.00030 and 0.00031; gnomAD exomes 0.00046 and 0.00047; ExAC 0.00051; ESP Exome Variant Server 0.00074.
gnomAD v4.1: 713 of 1,613,734 alleles (0.044%); highest among the groups gnomAD compares: Non-Finnish European, 0.053%; no homozygotes.

Submissions (19):

PreventionGenetics, part of Exact Sciences
Classification: Likely benign for TTN-related condition. Last evaluated: 2026-05-18. Review status: criteria provided, single submitter. Criteria: ACMG Guidelines, 2015. Collection method: clinical testing. Allele origin: germline.
Comment: This variant is classified as likely benign based on ACMG/AMP sequence variant interpretation guidelines (Richards et al. 2015 PMID: 25741868, with internal and published modifications).

Labcorp Genetics (formerly Invitae), Labcorp
Classification: Likely benign for Dilated cardiomyopathy 1G; Autosomal recessive limb-girdle muscular dystrophy type 2J. Last evaluated: 2026-01-27. Review status: criteria provided, single submitter. Criteria: Invitae Variant Classification Sherloc (09022015). Collection method: clinical testing. Allele origin: germline.

Mayo Clinic Laboratories, Mayo Clinic
Classification: Likely benign. Last evaluated: 2025-09-22. Review status: criteria provided, single submitter. Criteria: ACMG Guidelines, 2015. Collection method: clinical testing. Allele origin: germline. Observed: 3 variant alleles.
Comment: BS1, BP4_moderate

Blueprint Genetics
Classification: Likely benign. Last evaluated: 2024-10-04. Review status: criteria provided, single submitter. Criteria: ACMG Guidelines, 2015. Collection method: clinical testing. Allele origin: germline.

CeGaT Center for Human Genetics Tuebingen
Classification: Likely benign. Last evaluated: 2024-02-01. Review status: criteria provided, single submitter. Criteria: CeGaT Center For Human Genetics Tuebingen Variant Classification Criteria Version 2. Collection method: clinical testing. Allele origin: germline. Affected: yes. Observed: 3 variant alleles.
Comment: TTN: BP4

ARUP Laboratories, Molecular Genetics and Genomics, ARUP Laboratories
Classification: Uncertain significance. Last evaluated: 2022-03-31. Review status: criteria provided, single submitter. Criteria: ARUP Molecular Germline Variant Investigation Process 2021. Collection method: clinical testing. Allele origin: germline.
Comment: The TTN c.93524G>A; p.Arg31175His variant (rs72648251; ClinVar Variation ID: 202994) is rare in the general population (<0.2% allele frequency in the Genome Aggregation Database) and has not been reported in the medical literature in association with dilated cardiomyopathy (DCM) or other TTN-related disease, though it was reported in an individual affected with Alzheimer Disease (Patel 2019). The clinical relevance of rare missense variants in this gene, which are identified on average once per individual sequenced in affected populations (Herman 2012), is not well understood. Yet, evidence suggests that the vast majority of such missense variants do not contribute to the clinical outcome of DCM (Begay 2015). Thus, the clinical significance of the p.Arg31175His variant cannot be determined with certainty. References: Begay RL et al. Role of Titin Missense Variants in Dilated Cardiomyopathy. J Am Heart Assoc. 2015 Nov 13;4(11). PMID: 26567375. Herman DS et al. Truncations of titin causing dilated cardiomyopathy. N Engl J Med. 2012 Feb 16;366(7):619-28. PMID: 22335739. Patel D et al. Association of Rare Coding Mutations With Alzheimer Disease and Other Dementias Among Adults of European Ancestry. JAMA Netw Open. 2019 Mar 1;2(3):e191350. PMID: 30924900.

GeneDx
Classification: Likely benign. Last evaluated: 2020-12-03. Review status: criteria provided, single submitter. Criteria: GeneDx Variant Classification Process June 2021. Collection method: clinical testing. Allele origin: germline. Affected: yes.
Comment: This variant is associated with the following publications: (PMID: 30924900)

Ambry Genetics
Classification: Likely benign for Cardiovascular phenotype. Last evaluated: 2019-04-15. Review status: criteria provided, single submitter. Criteria: Ambry Variant Classification Scheme 2023. Collection method: clinical testing. Allele origin: germline.

Illumina Laboratory Services, Illumina
Classification: Uncertain significance for Autosomal recessive limb-girdle muscular dystrophy type 2J. Last evaluated: 2018-01-12. Review status: criteria provided, single submitter. Criteria: ICSL Variant Classification Criteria 13 December 2019. Collection method: clinical testing. Allele origin: germline.

Illumina Laboratory Services, Illumina
Classification: Uncertain significance for Dilated cardiomyopathy 1G. Last evaluated: 2018-01-12. Review status: criteria provided, single submitter. Criteria: ICSL Variant Classification Criteria 13 December 2019. Collection method: clinical testing. Allele origin: germline.

Illumina Laboratory Services, Illumina
Classification: Uncertain significance for Early-onset myopathy with fatal cardiomyopathy. Last evaluated: 2018-01-12. Review status: criteria provided, single submitter. Criteria: ICSL Variant Classification Criteria 13 December 2019. Collection method: clinical testing. Allele origin: germline.

Illumina Laboratory Services, Illumina
Classification: Benign for Tibial muscular dystrophy. Last evaluated: 2018-01-12. Review status: criteria provided, single submitter. Criteria: ICSL Variant Classification Criteria 13 December 2019. Collection method: clinical testing. Allele origin: germline.
Comment: This variant was observed in the ICSL laboratory as part of a predisposition screen in an ostensibly healthy population. It had not been previously curated by ICSL or reported in the Human Gene Mutation Database (HGMD: prior to June 1st, 2018), and was therefore a candidate for classification through an automated scoring system. Utilizing variant allele frequency, disease prevalence and penetrance estimates, and inheritance mode, an automated score was calculated to assess if this variant is too frequent to cause the disease. Based on the score and internal cut-off values, a variant classified as benign is not then subjected to further curation. The score for this variant resulted in a classification of benign for this disease.

Illumina Laboratory Services, Illumina
Classification: Benign for Myopathy, myofibrillar, 9, with early respiratory failure. Last evaluated: 2018-01-12. Review status: criteria provided, single submitter. Criteria: ICSL Variant Classification Criteria 13 December 2019. Collection method: clinical testing. Allele origin: germline.
Comment: the same text as in the submission from Illumina Laboratory Services, Illumina above.

Eurofins Ntd Llc (ga)
Classification: Uncertain significance. Last evaluated: 2015-08-21. Review status: criteria provided, single submitter. Criteria: EGL Classification Definitions 2015. Collection method: clinical testing. Allele origin: germline. Observed: 2 variant alleles, 2 heterozygotes.

Clinical Genetics DNA and cytogenetics Diagnostics Lab, Erasmus MC, Erasmus Medical Center
Classification: Likely benign. Review status: no assertion criteria provided. Collection method: clinical testing. Allele origin: germline. Affected: yes. Study: VKGL Data-share Consensus. Not counted in ClinVar's aggregate classification.

Clinical Genetics, Academic Medical Center
Classification: Likely benign. Review status: no assertion criteria provided. Collection method: clinical testing. Allele origin: germline. Affected: yes. Study: VKGL Data-share Consensus. Not counted in ClinVar's aggregate classification.

Diagnostic Laboratory, Department of Genetics, University Medical Center Groningen
Classification: Likely benign. Review status: no assertion criteria provided. Collection method: clinical testing. Allele origin: germline. Affected: yes. Study: VKGL Data-share Consensus. Not counted in ClinVar's aggregate classification.

Genome Diagnostics Laboratory, University Medical Center Utrecht
Classification: Likely benign. Review status: no assertion criteria provided. Collection method: clinical testing. Allele origin: germline. Affected: yes. Study: VKGL Data-share Consensus. Not counted in ClinVar's aggregate classification.

Joint Genome Diagnostic Labs from Nijmegen and Maastricht, Radboudumc and MUMC+
Classification: Likely benign. Review status: no assertion criteria provided. Collection method: clinical testing. Allele origin: germline. Affected: yes. Study: VKGL Data-share Consensus. Not counted in ClinVar's aggregate classification.

Literature cited by the submitters: PubMed 24476948 (cited by Mayo Clinic Laboratories, Mayo Clinic); PubMed 28771489 (cited by Ambry Genetics); PubMed 29988065 (cited by Ambry Genetics).

NM_001267550.2(TTN):c.93524G>A (p.Arg31175His)

Genes: TTN (titin; minus strand), TTN-AS1 (TTN antisense RNA 1; plus strand). Cytogenetic location: 2q31.2.
Variant type: single nucleotide variant.
Coding change: c.93524G>A on transcript NM_001267550.2 (MANE Select); coding-DNA position 93524, G replaced by A.
Protein change: p.Arg31175His; replaces arginine 31175 with histidine.
Molecular consequence: missense variant.
Genome position (GRCh38, 1-based): chr2:178,548,102, C>T on the plus strand (G>A on the coding strand, the complement: TTN is on the minus strand). VCF-style: chr2-178548102-C-T. GRCh37 (hg19) VCF-style: chr2-179412829-C-T.
Other names: p.R29534H:CGT>CAT; p.Arg29534His; c.88601G>A, p.Arg29534His (NM_001256850.1); c.66329G>A, p.Arg22110His (NM_003319.4); c.85820G>A, p.Arg28607His (NM_133378.4); c.66704G>A, p.Arg22235His (NM_133432.3); c.66905G>A, p.Arg22302His (NM_133437.4); short protein forms R29534H, R31175H, R28607H, R22110H, R22235H, R22302H.
Identifiers: ClinVar variation 202994 (VCV000202994.72), dbSNP rs72648251, ClinGen allele CA310920.